The following is an entry in ClinVar:

ClinVar aggregate classification (germline): Uncertain significance (1 of 4 stars; one submission).

Submission:

GeneDx
Classification: Uncertain significance. Last evaluated: 2024-04-18. Review status: criteria provided, single submitter. Criteria: GeneDx Variant Classification Process June 2021. Collection method: clinical testing. Allele origin: germline. Affected: yes.
Comment: Has not been previously published as pathogenic or benign to our knowledge; Not observed at significant frequency in large population cohorts (gnomAD); In silico analysis supports a deleterious effect on splicing

NM_001267550.2(TTN):c.43087-3C>G

Gene: TTN (titin; minus strand). Cytogenetic location: 2q31.2.
Variant type: single nucleotide variant.
Coding change: c.43087-3C>G on transcript NM_001267550.2 (MANE Select); 3 bases into the intron before coding-DNA position 43087, C replaced by G.
Molecular consequence: intron variant.
Genome position (GRCh38, 1-based): chr2:178,633,047, G>C on the plus strand (C>G on the coding strand, the complement: TTN is on the minus strand). VCF-style: chr2-178633047-G-C. GRCh37 (hg19) VCF-style: chr2-179497774-G-C.
Other names: c.15892-3C>G (NM_003319.4); c.16468-3C>G (NM_133437.4); c.16267-3C>G (NM_133432.3); c.35383-3C>G (NM_133378.4); c.38164-3C>G (NM_001256850.1).
Identifiers: ClinVar variation 3372643 (VCV003372643.1).